The following is an entry in ClinVar:

NM_000264.5(PTCH1):c.2417_2418delinsGGACT (p.Val806delinsGlyThr)

Genes: PTCH1 (patched 1; minus strand), LOC100507346 (uncharacterized LOC100507346; plus strand). Cytogenetic location: 9q22.32.
Variant type: Indel.
Coding change: c.2417_2418delinsGGACT on transcript NM_000264.5 (MANE Select); coding-DNA positions 2417 to 2418, TC replaced by GGACT.
Protein change: p.Val806delinsGlyThr.
Molecular consequence: inframe indel. On other transcripts: non-coding transcript variant (1).
Genome position (GRCh38, 1-based): chr9:95,467,258-95,467,259, GA replaced by AGTCC on the plus strand (TC replaced by GGACT on the coding strand, the reverse complement: PTCH1 is on the minus strand). VCF-style: chr9-95467258-GA-AGTCC. GRCh37 (hg19) VCF-style: chr9-98229540-GA-AGTCC.
Other names: c.2219_2220delinsGGACT, p.Val740delinsGlyThr (NM_001083602.3); c.2414_2415delinsGGACT, p.Val805delinsGlyThr (NM_001083603.3); c.1964_1965delinsGGACT, p.Val655delinsGlyThr (NM_001083604.3, NM_001083605.3, NM_001083606.3 and 1 more transcripts); c.2261_2262delinsGGACT, p.Val754delinsGlyThr (NM_001354918.2).
Identifiers: ClinVar variation 1313136 (VCV001313136.2), dbSNP rs2117961134, ClinGen allele CA2573053206.

ClinVar aggregate classification (germline): Uncertain significance (1 of 4 stars; one submission).

Submission:

GeneDx
Classification: Uncertain significance. Last evaluated: 2020-07-20. Review status: criteria provided, single submitter. Criteria: GeneDx Variant Classification Process June 2021. Collection method: clinical testing. Allele origin: germline. Affected: yes.
Comment: In-frame deletion of 1 amino acid and insertion of 2 amino acids in a non-repeat region; In silico analysis supports a deleterious effect on protein structure/function; Not observed in large population cohorts (Lek 2016); Has not been previously published as pathogenic or benign to our knowledge